The following is an entry in ClinVar:

NM_145868.2(ANXA11):c.137C>T (p.Ala46Val)

Gene: ANXA11 (annexin A11; minus strand). Cytogenetic location: 10q22.3.
Variant type: single nucleotide variant.
Coding change: c.137C>T on transcript NM_145868.2 (MANE Select); coding-DNA position 137, C replaced by T.
Protein change: p.Ala46Val; replaces alanine 46 with valine.
Molecular consequence: missense variant.
Genome position (GRCh38, 1-based): chr10:80,170,834, G>A on the plus strand (C>T on the coding strand, the complement: ANXA11 is on the minus strand). VCF-style: chr10-80170834-G-A. GRCh37 (hg19) VCF-style: chr10-81930590-G-A.
Other names: p.Ala46Val; c.137C>T, p.Ala46Val (NM_001157.3, NM_001278407.2, NM_001278408.2 and 1 more transcripts); c.38C>T, p.Ala13Val (NM_001278409.2); c.137C>T (NM_145869.1); short protein forms A13V, A46V.
Identifiers: ClinVar variation 2910245 (VCV002910245.5), dbSNP rs762084152, ClinGen allele CA5576371.

ClinVar aggregate classification (germline): Uncertain significance. Review status: criteria provided, multiple submitters, no conflicts (2 of 4 stars). 3 submissions from 3 submitters: Uncertain significance (3). Last evaluated 2026-07-28.

Conditions:
ANXA11-related disorder. Also called: ANXA11-related condition.

Allele frequency attached by ClinVar (database versions not stated): gnomAD exomes 0.00001; TOPMed 0.00001; ExAC 0.00002.
gnomAD v4.1: 12 of 1,511,840 alleles (0.00079%); highest among the groups gnomAD compares: East Asian, 0.0024%; no homozygotes.

Submissions (3):

PreventionGenetics, part of Exact Sciences
Classification: Uncertain significance for ANXA11-related condition. Last evaluated: 2026-07-28. Review status: criteria provided, single submitter. Criteria: ACMG Guidelines, 2015. Collection method: clinical testing. Allele origin: germline.
Comment: The ANXA11 c.137C>T variant is predicted to result in the amino acid substitution p.Ala46Val. This variant has been reported in individuals with amyotrophic lateral sclerosis (Müller et al. 2018. PubMed ID: 29650794; Chen et al. 2021. PubMed ID: 34544842). This variant is reported in 0.0024% of alleles in individuals of European (non-Finnish) descent in gnomAD. At this time, the clinical significance of this variant is uncertain due to the absence of conclusive functional and genetic evidence.

Labcorp Genetics (formerly Invitae), Labcorp
Classification: Uncertain significance. Last evaluated: 2025-11-06. Review status: criteria provided, single submitter. Criteria: Invitae Variant Classification Sherloc (09022015). Collection method: clinical testing. Allele origin: germline.
Comment: This sequence change replaces alanine, which is neutral and non-polar, with valine, which is neutral and non-polar, at codon 46 of the ANXA11 protein (p.Ala46Val). This variant is present in population databases (rs762084152, gnomAD 0.002%). This missense change has been observed in individual(s) with amyotrophic lateral sclerosis (PMID: 29650794, 34544842, 36280108). ClinVar contains an entry for this variant (Variation ID: 2910245). Experimental studies and prediction algorithms are not available or were not evaluated, and the functional significance of this variant is currently unknown. In summary, the available evidence is currently insufficient to determine the role of this variant in disease. Therefore, it has been classified as a Variant of Uncertain Significance.

Mayo Clinic Laboratories, Mayo Clinic
Classification: Uncertain significance. Last evaluated: 2023-09-26. Review status: criteria provided, single submitter. Criteria: ACMG Guidelines, 2015. Collection method: clinical testing. Allele origin: germline. Observed: 1 variant allele.
Comment: BP4

Literature cited by the submitters: PubMed 29650794 (cited by Labcorp Genetics (formerly Invitae), Labcorp and Mayo Clinic Laboratories, Mayo Clinic); PubMed 34544842 (cited by Labcorp Genetics (formerly Invitae), Labcorp); PubMed 36280108 (cited by Labcorp Genetics (formerly Invitae), Labcorp and Mayo Clinic Laboratories, Mayo Clinic).